The following is an entry in ClinVar:

NM_002519.3(NPAT):c.905C>G (p.Pro302Arg)

Gene: NPAT (nuclear protein, coactivator of histone transcription; minus strand). Cytogenetic location: 11q22.3.
Variant type: single nucleotide variant.
Coding change: c.905C>G on transcript NM_002519.3 (MANE Select); coding-DNA position 905, C replaced by G.
Protein change: p.Pro302Arg; replaces proline 302 with arginine.
Molecular consequence: missense variant.
Genome position (GRCh38, 1-based): chr11:108,185,233, G>C on the plus strand (C>G on the coding strand, the complement: NPAT is on the minus strand). VCF-style: chr11-108185233-G-C. GRCh37 (hg19) VCF-style: chr11-108055960-G-C.
Other names: c.905C>G, p.Pro302Arg (NM_001321307.1); short protein forms P302R.
Identifiers: ClinVar variation 3300698 (VCV003300698.1).

ClinVar aggregate classification (germline): Uncertain significance (1 of 4 stars; one submission).

Submission:

Ambry Genetics
Classification: Uncertain significance. Last evaluated: 2024-05-24. Review status: criteria provided, single submitter. Criteria: Ambry Variant Classification Scheme 2023. Collection method: clinical testing. Allele origin: germline.
Comment: The p.P302R variant (also known as c.905C>G), located in coding exon 10 of the NPAT gene, results from a C to G substitution at nucleotide position 905. The proline at codon 302 is replaced by arginine, an amino acid with dissimilar properties. This amino acid position is conserved. In addition, this alteration is predicted to be tolerated by in silico analysis. Based on the available evidence, the clinical significance of this variant remains unclear.